The following is an entry in ClinVar:

ClinVar aggregate classification (germline): Conflicting classifications of pathogenicity. Review status: criteria provided, conflicting classifications (1 of 4 stars). 7 submissions from 7 submitters: Uncertain significance (6); Likely benign (1). Last evaluated 2024-10-29.

Conditions:
Autosomal recessive ataxia, Beauce type. Also called: SYNE1 Deficiency; Spinocerebellar ataxia, autosomal recessive 8; SYNE1-Related Autosomal Recessive Cerebellar Ataxia; ATAXIA, RECESSIVE, OF BEAUCE. Identifiers: Orphanet 88644, MedGen C1853116, MONDO:0012549, OMIM 610743.
Emery-Dreifuss muscular dystrophy 4, autosomal dominant (EDMD4). Also called: EMERY-DREIFUSS MUSCULAR DYSTROPHY 4 WITH VARIABLE FEATURES. Identifiers: Orphanet 261, MedGen C2751807, MONDO:0013071, OMIM 612998.

Allele frequency attached by ClinVar (database versions not stated): gnomAD exomes 0.00006 and 0.00010; ExAC 0.00012; 1000 Genomes Project 30x 0.00016; 1000 Genomes Project 0.00020; gnomAD 0.00046 and 0.00049; TOPMed 0.00052; ESP Exome Variant Server 0.00054.
gnomAD v4.1: 158 of 1,613,642 alleles (0.0098%); highest among the groups gnomAD compares: African/African-American, 0.15%; no homozygotes.

Submissions (7):

Labcorp Genetics (formerly Invitae), Labcorp
Classification: Uncertain significance for Emery-Dreifuss muscular dystrophy 4, autosomal dominant; Autosomal recessive ataxia, Beauce type. Last evaluated: 2024-10-29. Review status: criteria provided, single submitter. Criteria: Invitae Variant Classification Sherloc (09022015). Collection method: clinical testing. Allele origin: germline.
Comment: This sequence change replaces arginine, which is basic and polar, with glutamine, which is neutral and polar, at codon 5546 of the SYNE1 protein (p.Arg5546Gln). This variant is present in population databases (rs141550859, gnomAD 0.1%). This variant has not been reported in the literature in individuals affected with SYNE1-related conditions. ClinVar contains an entry for this variant (Variation ID: 198969). An algorithm developed to predict the effect of missense changes on protein structure and function outputs the following: PolyPhen-2: "Benign". The glutamine amino acid residue is found in multiple mammalian species, which suggests that this missense change does not adversely affect protein function. In summary, the available evidence is currently insufficient to determine the role of this variant in disease. Therefore, it has been classified as a Variant of Uncertain Significance.

Revvity Omics, Revvity
Classification: Likely benign. Last evaluated: 2024-06-11. Review status: criteria provided, single submitter. Criteria: ACMG Guidelines, 2015. Collection method: clinical testing. Allele origin: germline.

GeneDx
Classification: Uncertain significance. Last evaluated: 2023-11-09. Review status: criteria provided, single submitter. Criteria: GeneDx Variant Classification Process June 2021. Collection method: clinical testing. Allele origin: germline. Affected: yes.
Comment: In silico analysis supports that this missense variant does not alter protein structure/function; Has not been previously published as pathogenic or benign to our knowledge

Athena Diagnostics
Classification: Uncertain significance. Last evaluated: 2023-10-16. Review status: criteria provided, single submitter. Criteria: Athena Diagnostics Criteria. Collection method: clinical testing. Allele origin: unknown.
Comment: Available data are insufficient to determine the clinical significance of the variant at this time. The frequency of this variant in the general population is higher than would generally be expected for pathogenic variants in this gene. Computational tools predict that this variant is not damaging.

Dubai Health Genomic Medicine Center, Dubai Health
Classification: Uncertain significance. Last evaluated: 2020-02-18. Review status: criteria provided, single submitter. Criteria: ACMG Guidelines, 2015. Collection method: clinical testing. Allele origin: germline. Affected: yes.

Eurofins Ntd Llc (ga)
Classification: Uncertain significance. Last evaluated: 2018-08-10. Review status: criteria provided, single submitter. Criteria: EGL ClinVar v180209 classification definitions. Collection method: clinical testing. Allele origin: germline. Observed: 4 variant alleles, 4 heterozygotes.

Breakthrough Genomics
Classification: Uncertain significance. Review status: criteria provided, single submitter. Criteria: ACMG Guidelines, 2015. Collection method: not provided. Allele origin: germline. Inheritance: Autosomal recessive inheritance. Affected: yes.

NM_182961.4(SYNE1):c.16850G>A (p.Arg5617Gln)

Genes: SYNE1 (spectrin repeat containing nuclear envelope protein 1; minus strand), LOC126859837 (BRD4-independent group 4 enhancer GRCh37_chr6:152630775-152631974; plus strand). Cytogenetic location: 6q25.2.
Variant type: single nucleotide variant.
Coding change: c.16850G>A on transcript NM_182961.4 (MANE Select); coding-DNA position 16850, G replaced by A.
Protein change: p.Arg5617Gln; replaces arginine 5617 with glutamine.
Molecular consequence: missense variant.
Genome position (GRCh38, 1-based): chr6:152,310,734, C>T on the plus strand (G>A on the coding strand, the complement: SYNE1 is on the minus strand). VCF-style: chr6-152310734-C-T. GRCh37 (hg19) VCF-style: chr6-152631869-C-T.
Other names: c.16637G>A, p.Arg5546Gln (NM_033071.5); c.16850G>A (NM_182961.2); short protein forms R5546Q, R5617Q.
Identifiers: ClinVar variation 198969 (VCV000198969.21), dbSNP rs141550859, ClinGen allele CA247909.